The following is an entry in ClinVar:

ClinVar aggregate classification (germline): Uncertain significance (1 of 4 stars; one submission).

Conditions:
X-linked myopathy with postural muscle atrophy. Also called: FHL1-Related Emery-Dreifuss Muscular Dystrophy, X-Linked. Identifiers: Orphanet 178461, MedGen C2678055, MONDO:0010401, OMIM 300696.

gnomAD v4.1: 1 of 1,212,272 alleles (0.000082%); highest among the groups gnomAD compares: South Asian, 0.0018%; no homozygotes.

Submission:

Labcorp Genetics (formerly Invitae), Labcorp
Classification: Uncertain significance for X-linked myopathy with postural muscle atrophy. Last evaluated: 2023-02-11. Review status: criteria provided, single submitter. Criteria: Invitae Variant Classification Sherloc (09022015). Collection method: clinical testing. Allele origin: germline.
Comment: This sequence change replaces histidine, which is basic and polar, with glutamine, which is neutral and polar, at codon 161 of the FHL1 protein (p.His161Gln). This variant is not present in population databases (gnomAD no frequency). This variant has not been reported in the literature in individuals affected with FHL1-related conditions. Algorithms developed to predict the effect of missense changes on protein structure and function (SIFT, PolyPhen-2, Align-GVGD) all suggest that this variant is likely to be tolerated. In summary, the available evidence is currently insufficient to determine the role of this variant in disease. Therefore, it has been classified as a Variant of Uncertain Significance.

NM_001159699.2(FHL1):c.531T>G (p.His177Gln)

Gene: FHL1 (four and a half LIM domains 1; plus strand). Cytogenetic location: Xq26.3.
Variant type: single nucleotide variant.
Coding change: c.531T>G on transcript NM_001159699.2 (MANE Select); coding-DNA position 531, T replaced by G.
Protein change: p.His177Gln; replaces histidine 177 with glutamine.
Molecular consequence: missense variant. On other transcripts: non-coding transcript variant (1).
Genome position (GRCh38, 1-based): chrX:136,207,943, T>G. VCF-style: chrX-136207943-T-G. GRCh37 (hg19) VCF-style: chrX-135290102-T-G.
Other names: c.483T>G, p.His161Gln (NM_001159703.2, NM_001159704.1, NM_001167819.1 and 9 more transcripts); c.531T>G, p.His177Gln (NM_001330659.2); c.570T>G, p.His190Gln (NM_001159701.2); short protein forms H177Q, H190Q, H161Q.
Identifiers: ClinVar variation 2836198 (VCV002836198.3), dbSNP rs1268549852, ClinGen allele CA414608634.